The following is an entry in ClinVar:

NM_020921.4(NIN):c.1334T>G (p.Leu445Arg)

Gene: NIN (ninein; minus strand). Cytogenetic location: 14q22.1.
Variant type: single nucleotide variant.
Coding change: c.1334T>G on transcript NM_020921.4 (MANE Select); coding-DNA position 1334, T replaced by G.
Protein change: p.Leu445Arg; replaces leucine 445 with arginine.
Molecular consequence: missense variant.
Genome position (GRCh38, 1-based): chr14:50,770,488, A>C on the plus strand (T>G on the coding strand, the complement: NIN is on the minus strand). VCF-style: chr14-50770488-A-C. GRCh37 (hg19) VCF-style: chr14-51237206-A-C.
Other names: c.1334T>G, p.Leu445Arg (NM_016350.5, NM_182944.3, NM_182946.2); short protein forms L445R.
Identifiers: ClinVar variation 4708744 (VCV004708744.1).

ClinVar aggregate classification (germline): Uncertain significance (1 of 4 stars; one submission).

Submission:

Labcorp Genetics (formerly Invitae), Labcorp
Classification: Uncertain significance. Last evaluated: 2025-10-27. Review status: criteria provided, single submitter. Criteria: Invitae Variant Classification Sherloc (09022015). Collection method: clinical testing. Allele origin: germline.
Comment: This sequence change replaces leucine, which is neutral and non-polar, with arginine, which is basic and polar, at codon 445 of the NIN protein (p.Leu445Arg). This variant is present in population databases (rs759318344, gnomAD 0.003%). This variant has not been reported in the literature in individuals affected with NIN-related conditions. An algorithm developed to predict the effect of missense changes on protein structure and function (PolyPhen-2) suggests that this variant is likely to be disruptive. In summary, the available evidence is currently insufficient to determine the role of this variant in disease. Therefore, it has been classified as a Variant of Uncertain Significance.